The following is an entry in ClinVar:

ClinVar aggregate classification (germline): Uncertain significance (1 of 4 stars; one submission).

Conditions:
Ullrich congenital muscular dystrophy 2 (UCMD2). Identifiers: Orphanet 75840, MedGen C4225314, MONDO:0014654, OMIM 616470.
Bethlem myopathy 2 (BTHLM2). Identifiers: Orphanet 536516, Orphanet 610, MedGen C4225313, MONDO:0034022, OMIM 616471.

gnomAD v4.1: 3 of 1,612,386 alleles (0.00019%); highest among the groups gnomAD compares: African/African-American, 0.0027%; no homozygotes.

Submission:

Labcorp Genetics (formerly Invitae), Labcorp
Classification: Uncertain significance for Bethlem myopathy 2; Ullrich congenital muscular dystrophy 2. Last evaluated: 2025-09-15. Review status: criteria provided, single submitter. Criteria: Invitae Variant Classification Sherloc (09022015). Collection method: clinical testing. Allele origin: germline.
Comment: This sequence change replaces leucine, which is neutral and non-polar, with phenylalanine, which is neutral and non-polar, at codon 274 of the COL12A1 protein (p.Leu274Phe). This variant is not present in population databases (gnomAD no frequency). This variant has not been reported in the literature in individuals affected with COL12A1-related conditions. An algorithm developed to predict the effect of missense changes on protein structure and function (PolyPhen-2) suggests that this variant is likely to be disruptive. In summary, the available evidence is currently insufficient to determine the role of this variant in disease. Therefore, it has been classified as a Variant of Uncertain Significance.

NM_004370.6(COL12A1):c.822G>C (p.Leu274Phe)

Gene: COL12A1 (collagen type XII alpha 1 chain; minus strand). Cytogenetic location: 6q13.
Variant type: single nucleotide variant.
Coding change: c.822G>C on transcript NM_004370.6 (MANE Select); coding-DNA position 822, G replaced by C.
Protein change: p.Leu274Phe; replaces leucine 274 with phenylalanine.
Molecular consequence: missense variant. On other transcripts: intron variant (2).
Genome position (GRCh38, 1-based): chr6:75,189,218, C>G on the plus strand (G>C on the coding strand, the complement: COL12A1 is on the minus strand). VCF-style: chr6-75189218-C-G. GRCh37 (hg19) VCF-style: chr6-75898934-C-G.
Other names: c.822G>C, p.Leu274Phe (NM_001424113.1, NM_001424114.1, NM_001424115.1); c.73+13502G>C (NM_001424116.1, NM_080645.3); short protein forms L274F.
Identifiers: ClinVar variation 4793416 (VCV004793416.1).